The following is an entry in ClinVar:

NM_001103.4(ACTN2):c.1749G>A (p.Glu583=)

Gene: ACTN2 (actinin alpha 2; plus strand). Cytogenetic location: 1q43.
Variant type: single nucleotide variant.
Coding change: c.1749G>A on transcript NM_001103.4 (MANE Select); coding-DNA position 1749, G replaced by A.
Protein change: p.Glu583=; no amino-acid change (glutamic acid 583 retained).
Molecular consequence: synonymous variant.
Genome position (GRCh38, 1-based): chr1:236,751,562, G>A. VCF-style: chr1-236751562-G-A. GRCh37 (hg19) VCF-style: chr1-236914862-G-A.
Other names: c.1749G>A, p.Glu583= (NM_001278343.2); c.1125G>A, p.Glu375= (NM_001278344.2).
Identifiers: ClinVar variation 391417 (VCV000391417.1), dbSNP rs748367953, ClinGen allele CA1473244.

ClinVar aggregate classification (germline): Likely benign (1 of 4 stars; one submission).

Allele frequency attached by ClinVar (database versions not stated): gnomAD exomes below 0.00001 and 0.00001; ExAC 0.00001; TOPMed 0.00001.
gnomAD v4.1: 10 of 1,614,140 alleles (0.00062%); highest among the groups gnomAD compares: South Asian, 0.0011%; no homozygotes.

Submission:

GeneDx
Classification: Likely benign. Last evaluated: 2016-12-01. Review status: criteria provided, single submitter. Criteria: GeneDx Variant Classification (06012015). Collection method: clinical testing. Allele origin: germline. Affected: yes.
Comment: This variant is considered likely benign or benign based on one or more of the following criteria: it is a conservative change, it occurs at a poorly conserved position in the protein, it is predicted to be benign by multiple in silico algorithms, and/or has population frequency not consistent with disease.